The following is an entry in ClinVar:

ClinVar aggregate classification (germline): Uncertain significance. Review status: criteria provided, multiple submitters, no conflicts (2 of 4 stars). 2 submissions from 2 submitters: Uncertain significance (2). Last evaluated 2025-09-26.

Conditions:
Hyperekplexia 3 (HKPX3). Also called: HYPEREKPLEXIA 3, AUTOSOMAL RECESSIVE; HYPEREKPLEXIA 3, AUTOSOMAL DOMINANT. Identifiers: Orphanet 3197, MedGen C3553288, MONDO:0013827, OMIM 614618.
Inborn genetic diseases. Identifiers: MedGen C0950123, MeSH D030342.

Allele frequency attached by ClinVar (database versions not stated): gnomAD 0.00002; TOPMed 0.00003; ExAC 0.00001.

Submissions (2):

Ambry Genetics
Classification: Uncertain significance for Inborn genetic diseases. Last evaluated: 2025-09-26. Review status: criteria provided, single submitter. Criteria: Ambry Variant Classification Scheme 2023. Collection method: clinical testing. Allele origin: germline.

Labcorp Genetics (formerly Invitae), Labcorp
Classification: Uncertain significance for Hyperekplexia 3. Last evaluated: 2022-07-09. Review status: criteria provided, single submitter. Criteria: Invitae Variant Classification Sherloc (09022015). Collection method: clinical testing. Allele origin: germline.
Comment: This sequence change replaces threonine, which is neutral and polar, with isoleucine, which is neutral and non-polar, at codon 417 of the SLC6A5 protein (p.Thr417Ile). This variant is present in population databases (rs769410721, gnomAD 0.0009%). This variant has not been reported in the literature in individuals affected with SLC6A5-related conditions. Advanced modeling of protein sequence and biophysical properties (such as structural, functional, and spatial information, amino acid conservation, physicochemical variation, residue mobility, and thermodynamic stability) performed at Invitae indicates that this missense variant is not expected to disrupt SLC6A5 protein function. Algorithms developed to predict the effect of sequence changes on RNA splicing suggest that this variant may disrupt the consensus splice site. In summary, the available evidence is currently insufficient to determine the role of this variant in disease. Therefore, it has been classified as a Variant of Uncertain Significance.

NM_004211.5(SLC6A5):c.1250C>T (p.Thr417Ile)

Gene: SLC6A5 (solute carrier family 6 member 5; plus strand). Cytogenetic location: 11p15.1.
Variant type: single nucleotide variant.
Coding change: c.1250C>T on transcript NM_004211.5 (MANE Select); coding-DNA position 1250, C replaced by T.
Protein change: p.Thr417Ile; replaces threonine 417 with isoleucine.
Molecular consequence: missense variant.
Genome position (GRCh38, 1-based): chr11:20,617,874, C>T. VCF-style: chr11-20617874-C-T. GRCh37 (hg19) VCF-style: chr11-20639420-C-T.
Other names: c.548C>T, p.Thr183Ile (NM_001318369.2); c.1250C>T (NM_004211.3); short protein forms T183I, T417I.
Identifiers: ClinVar variation 2418720 (VCV002418720.4), dbSNP rs769410721, ClinGen allele CA5921359.